The following is an entry in ClinVar:

ClinVar aggregate classification (germline): Uncertain significance (1 of 4 stars; one submission).

Conditions:
Capillary malformation-arteriovenous malformation syndrome. Also called: Capillary malformation-arteriovenous malformation. Identifiers: Orphanet 137667, MedGen C1842180, MONDO:0012016.

Submission:

Labcorp Genetics (formerly Invitae), Labcorp
Classification: Uncertain significance for Capillary malformation-arteriovenous malformation syndrome. Last evaluated: 2025-09-15. Review status: criteria provided, single submitter. Criteria: Invitae Variant Classification Sherloc (09022015). Collection method: clinical testing. Allele origin: germline.
Comment: This sequence change replaces glutamic acid, which is acidic and polar, with valine, which is neutral and non-polar, at codon 1008 of the RASA1 protein (p.Glu1008Val). This variant is not present in population databases (gnomAD no frequency). This variant has not been reported in the literature in individuals affected with RASA1-related conditions. An algorithm developed to predict the effect of missense changes on protein structure and function (PolyPhen-2) suggests that this variant is likely to be disruptive. In summary, the available evidence is currently insufficient to determine the role of this variant in disease. Therefore, it has been classified as a Variant of Uncertain Significance.

NM_002890.3(RASA1):c.3023A>T (p.Glu1008Val)

Genes: CCNH (cyclin H; minus strand), RASA1 (RAS p21 protein activator 1; plus strand). Cytogenetic location: 5q14.3.
Variant type: single nucleotide variant.
Coding change: c.3023A>T on transcript NM_002890.3 (MANE Select); coding-DNA position 3023, A replaced by T.
Protein change: p.Glu1008Val; replaces glutamic acid 1008 with valine.
Molecular consequence: missense variant. On other transcripts: intron variant (1).
Genome position (GRCh38, 1-based): chr5:87,389,490, A>T. VCF-style: chr5-87389490-A-T. GRCh37 (hg19) VCF-style: chr5-86685307-A-T.
Other names: c.2492A>T, p.Glu831Val (NM_022650.3); c.933+5554T>A (NM_001364075.2); short protein forms E1008V, E831V.
Identifiers: ClinVar variation 4807144 (VCV004807144.1).
Genomic context (GRCh38, chr5:87,389,490, plus strand): 5'-GAACGGACCTGTCCCGTGATTTAGCAGCATTGCATGAGATTTGCGTGGCTCATTCAGATG[A>T]ACTTCGAACGCTCAGTAATGAGCGTGGTGCACAGCAGGTAGGCTTTCGCCAGCCTTCATT-3'
Protein context (NP_002881.1, residues 998-1018): LHEICVAHSD[Glu1008Val]LRTLSNERGA